The following is an entry in ClinVar:

ClinVar aggregate classification (germline): Likely benign (1 of 4 stars; one submission).

Conditions:
Pheochromocytoma/paraganglioma syndrome 3. Also called: GLOMUS TUMORS, FAMILIAL, 3; Paragangliomas 3; SDHC-Related Hereditary Paraganglioma-Pheochromocytoma Syndrome (Paragangliomas 3); SDHC-Related Hereditary Paraganglioma-Pheochromocytoma Syndrome. Identifiers: Orphanet 29072, MedGen C1854336, MONDO:0011544, OMIM 605373.

Submission:

Myriad Genetics, Inc.
Classification: Likely benign for Pheochromocytoma/paraganglioma syndrome 3. Last evaluated: 2025-03-14. Review status: criteria provided, single submitter. Criteria: Myriad Autosomal Dominant, Autosomal Recessive and X-Linked Classification Criteria (2023). Collection method: clinical testing. Allele origin: unknown.
Comment: This variant is considered likely benign. This variant is intronic and is not expected to impact mRNA splicing.

NM_003001.5(SDHC):c.242-8C>T

Gene: SDHC (succinate dehydrogenase complex subunit C; plus strand). Cytogenetic location: 1q23.3.
Variant type: single nucleotide variant.
Coding change: c.242-8C>T on transcript NM_003001.5 (MANE Select); 8 bases into the intron before coding-DNA position 242, C replaced by T.
Molecular consequence: intron variant.
Genome position (GRCh38, 1-based): chr1:161,356,669, C>T. VCF-style: chr1-161356669-C-T. GRCh37 (hg19) VCF-style: chr1-161326459-C-T.
Other names: c.131-8C>T (NM_001407119.1, NM_001407120.1); c.362-8C>T (NM_001407115.1); c.242-5660C>T (NM_001035511.3); c.140-8C>T (NM_001035512.3); c.140-5660C>T (NM_001278172.3); c.134-8C>T (NM_001407118.1); c.185-8C>T (NM_001407116.1); c.185-5660C>T (NM_001407121.1); and 2 more.
Identifiers: ClinVar variation 3904551 (VCV003904551.1).